The following is an entry in ClinVar:

ClinVar aggregate classification (germline): Conflicting classifications of pathogenicity. Review status: criteria provided, conflicting classifications (1 of 4 stars). 6 submissions from 6 submitters: Uncertain significance (2); Likely benign (3). 1 of the submissions does not count toward it. Last evaluated 2026-09-01.

Conditions:
TOP2B-related disorder. Also called: TOP2B-related condition.

Allele frequency attached by ClinVar (database versions not stated): 1000 Genomes Project 30x 0.00047; ESP Exome Variant Server 0.00050; 1000 Genomes Project 0.00060; gnomAD 0.00081 and 0.00128; TOPMed 0.00166.
gnomAD v4.1: 1,194 of 1,609,868 alleles (0.074%); highest among the groups gnomAD compares: Admixed American, 0.19%; 6 homozygotes.

Submissions (6):

CeGaT Center for Human Genetics Tuebingen
Classification: Likely benign. Last evaluated: 2026-09-01. Review status: criteria provided, single submitter. Criteria: CeGaT Center For Human Genetics Tuebingen Variant Classification Criteria Version 2. Collection method: clinical testing. Allele origin: germline. Affected: yes. Observed: 2 variant alleles.
Comment: TOP2B: BS1

Labcorp Genetics (formerly Invitae), Labcorp
Classification: Likely benign. Last evaluated: 2026-01-27. Review status: criteria provided, single submitter. Criteria: Invitae Variant Classification Sherloc (09022015). Collection method: clinical testing. Allele origin: germline.

Blueprint Genetics
Classification: Likely benign. Last evaluated: 2024-11-21. Review status: criteria provided, single submitter. Criteria: ACMG Guidelines, 2015. Collection method: clinical testing. Allele origin: germline.

Ambry Genetics
Classification: Uncertain significance. Last evaluated: 2021-09-15. Review status: criteria provided, single submitter. Criteria: Ambry Variant Classification Scheme 2023. Collection method: clinical testing. Allele origin: germline.

Breakthrough Genomics
Classification: Uncertain significance. Review status: criteria provided, single submitter. Criteria: ACMG Guidelines, 2015. Collection method: not provided. Allele origin: germline. Inheritance: Autosomal dominant inheritance. Affected: yes.

PreventionGenetics, part of Exact Sciences
Classification: Likely benign for TOP2B-related condition. Last evaluated: 2022-07-11. Review status: no assertion criteria provided. Collection method: clinical testing. Allele origin: germline. Not counted in ClinVar's aggregate classification.
Comment: This variant is classified as likely benign based on ACMG/AMP sequence variant interpretation guidelines (Richards et al. 2015 PMID: 25741868, with internal and published modifications).

NM_001330700.2(TOP2B):c.4858G>A (p.Val1620Ile)

Gene: TOP2B (DNA topoisomerase II beta; minus strand). Cytogenetic location: 3p24.2.
Variant type: single nucleotide variant.
Coding change: c.4858G>A on transcript NM_001330700.2 (MANE Select); coding-DNA position 4858, G replaced by A.
Protein change: p.Val1620Ile; replaces valine 1620 with isoleucine.
Molecular consequence: missense variant.
Genome position (GRCh38, 1-based): chr3:25,598,330, C>T on the plus strand (G>A on the coding strand, the complement: TOP2B is on the minus strand). VCF-style: chr3-25598330-C-T. GRCh37 (hg19) VCF-style: chr3-25639821-C-T.
Other names: c.4843G>A, p.Val1615Ile (NM_001068.3); c.4858G>A (NM_001330700.1); c.4843G>A (NM_001068.2); short protein forms V1615I, V1620I.
Identifiers: ClinVar variation 999917 (VCV000999917.32), dbSNP rs187350468, ClinGen allele CA2287949.